The following is an entry in ClinVar:

NM_000352.6(ABCC8):c.2427A>G (p.Pro809=)

Genes: ABCC8 (ATP binding cassette subfamily C member 8; minus strand), LOC110121471 (VISTA enhancer hs1977; plus strand). Cytogenetic location: 11p15.1.
Variant type: single nucleotide variant.
Coding change: c.2427A>G on transcript NM_000352.6 (MANE Select); coding-DNA position 2427, A replaced by G.
Protein change: p.Pro809=; no amino-acid change (proline 809 retained).
Molecular consequence: synonymous variant. On other transcripts: non-coding transcript variant (1).
Genome position (GRCh38, 1-based): chr11:17,413,442, T>C on the plus strand (A>G on the coding strand, the complement: ABCC8 is on the minus strand). VCF-style: chr11-17413442-T-C. GRCh37 (hg19) VCF-style: chr11-17434989-T-C.
Other names: c.2430A>G, p.Pro810= (NM_001287174.3); c.2493A>G, p.Pro831= (NM_001351295.2); c.2427A>G, p.Pro809= (NM_001351296.2); c.2424A>G, p.Pro808= (NM_001351297.2).
Identifiers: ClinVar variation 255929 (VCV000255929.3), dbSNP rs886038286, ClinGen allele CA10587109.
Genomic context (GRCh38, chr11:17,413,442, plus strand): 5'-GCTGCTACTAACCCGTTCCCCAATCTGGGTCTGGTCTCCATGGGGCAGGATGTCGATGTC[T>C]GGCTGCAGAGAGCAGGCTTCAATGACCATCTTGTACCTGGCGTGGGTAGAGGCAGGGGAT-3'
Protein context (NP_000343.2, residues 799-819): KMVIEACSLQ[Pro809=]DIDILPHGDQ

ClinVar aggregate classification (germline): Conflicting classifications of pathogenicity. Review status: criteria provided, conflicting classifications (1 of 4 stars). 3 submissions from 2 submitters: Uncertain significance (2); Likely benign (1).

Conditions:
Transitory neonatal diabetes mellitus. Also called: Transient neonatal diabetes mellitus. Identifiers: MedGen C0342273, MONDO:0020525, HP:0008255.
Maturity-onset diabetes of the young (MODY). Also called: Maturity onset diabetes mellitus in young. Identifiers: Orphanet 552, MedGen C0342276, MONDO:0018911, HP:0004904.

Submissions (3):

Clinical Genomics, Uppaluri K&H Personalized Medicine Clinic
Classification: Uncertain significance for Transitory neonatal diabetes mellitus. Review status: criteria provided, single submitter. Criteria: K & H Uppaluri Personalized Medicine Clinic Variant Classification & Assertion Criteria_Updated V.1. Collection method: research. Allele origin: unknown. Inheritance: Somatic mutation.
Comment: Mutations in ABCC8 gene are associated with both neonatal diabetes mellitus as well as MODY. Patients with this mutation may have a better response to sulfonylureas. However, no sufficient evidence is found to ascertain the role of this particular variant ( rs886038286) in neonatal diabetes yet.

Clinical Genomics, Uppaluri K&H Personalized Medicine Clinic
Classification: Uncertain significance for Maturity-onset diabetes of the young. Review status: criteria provided, single submitter. Criteria: K & H Uppaluri Personalized Medicine Clinic Variant Classification & Assertion Criteria_Updated V.1. Collection method: research. Allele origin: unknown. Inheritance: Somatic mutation.
Comment: Mutations in ABCC8 gene are associated with both neonatal diabetes mellitus as well as MODY. Patients with this mutation may have a better response to sulfonylureas. However, no sufficient evidence is found to ascertain the role of this particular variant ( rs886038286) in MODY yet.

PreventionGenetics, part of Exact Sciences
Classification: Likely benign. Review status: criteria provided, single submitter. Criteria: ACMG Guidelines, 2015. Collection method: clinical testing. Allele origin: germline.

Literature cited by the submitters: PubMed 16885549 (cited by Clinical Genomics, Uppaluri K&H Personalized Medicine Clinic); PubMed 21989597 (cited by Clinical Genomics, Uppaluri K&H Personalized Medicine Clinic); PubMed 27538677 (cited by Clinical Genomics, Uppaluri K&H Personalized Medicine Clinic); PubMed 18981553 (cited by Clinical Genomics, Uppaluri K&H Personalized Medicine Clinic); PubMed 32027066 (cited by Clinical Genomics, Uppaluri K&H Personalized Medicine Clinic); PubMed 16613899 (cited by Clinical Genomics, Uppaluri K&H Personalized Medicine Clinic); PubMed 18025408 (cited by Clinical Genomics, Uppaluri K&H Personalized Medicine Clinic); PubMed 32792356 (cited by Clinical Genomics, Uppaluri K&H Personalized Medicine Clinic).